The following is an entry in ClinVar:

NM_000204.5(CFI):c.1204C>G (p.Pro402Ala)

Gene: CFI (complement factor I; minus strand). Cytogenetic location: 4q25.
Variant type: single nucleotide variant.
Coding change: c.1204C>G on transcript NM_000204.5 (MANE Select); coding-DNA position 1204, C replaced by G.
Protein change: p.Pro402Ala; replaces proline 402 with alanine.
Molecular consequence: missense variant. On other transcripts: non-coding transcript variant (2).
Genome position (GRCh38, 1-based): chr4:109,746,447, G>C on the plus strand (C>G on the coding strand, the complement: CFI is on the minus strand). VCF-style: chr4-109746447-G-C. GRCh37 (hg19) VCF-style: chr4-110667603-G-C.
Other names: c.1228C>G, p.Pro410Ala (NM_001318057.2, NM_001375278.1); c.1183C>G, p.Pro395Ala (NM_001331035.2, NM_001375280.1, NM_001375282.1); c.1204C>G, p.Pro402Ala (NM_001375279.1, NM_001375281.1); c.1147C>G, p.Pro383Ala (NM_001375283.1); c.595C>G, p.Pro199Ala (NM_001375284.1); short protein forms P410A, P199A, P383A, P395A, P402A.
Identifiers: ClinVar variation 3648592 (VCV003648592.2).

ClinVar aggregate classification (germline): Uncertain significance (1 of 4 stars; one submission).

gnomAD v4.1: 1 of 1,613,640 alleles (0.000062%); highest among the groups gnomAD compares: Middle Eastern, 0.017%; no homozygotes.

Submission:

Labcorp Genetics (formerly Invitae), Labcorp
Classification: Uncertain significance. Last evaluated: 2024-04-03. Review status: criteria provided, single submitter. Criteria: Invitae Variant Classification Sherloc (09022015). Collection method: clinical testing. Allele origin: germline.
Comment: This sequence change replaces proline, which is neutral and non-polar, with alanine, which is neutral and non-polar, at codon 402 of the CFI protein (p.Pro402Ala). This variant is not present in population databases (gnomAD no frequency). This variant has not been reported in the literature in individuals affected with CFI-related conditions. Advanced modeling of protein sequence and biophysical properties (such as structural, functional, and spatial information, amino acid conservation, physicochemical variation, residue mobility, and thermodynamic stability) performed at Invitae indicates that this missense variant is not expected to disrupt CFI protein function with a negative predictive value of 80%. In summary, the available evidence is currently insufficient to determine the role of this variant in disease. Therefore, it has been classified as a Variant of Uncertain Significance.